The following is an entry in ClinVar:

ClinVar aggregate classification (germline): Uncertain significance. Review status: reviewed by expert panel (3 of 4 stars). 3 submissions from 3 submitters: Uncertain significance (1). 2 of the submissions do not count toward it. Last evaluated 2025-01-15.

Conditions:
Hereditary thrombocytopenia and hematologic cancer predisposition syndrome. Identifiers: Orphanet 71290, MedGen CN281654, MONDO:0011071.
Hereditary thrombocytopenia and hematological cancer predisposition syndrome associated with RUNX1. Also called: PLATELET DISORDER, ASPIRIN-LIKE; Familial Platelet Disorder with Propensity to Acute Myelogenous Leukemia; Familial thrombocytopenia with propensity to acute myelogenous leukemia; RUNX1 Familial Platelet Disorder with Associated Myeloid Malignancies. Identifiers: Orphanet 71290, MedGen C1832388, MeSH C563324, MONDO:0100083, OMIM 601399.
Inborn genetic diseases. Identifiers: MedGen C0950123, MeSH D030342.

Allele frequency attached by ClinVar (database versions not stated): TOPMed 0.00001.

Submissions (3):

ClinGen Myeloid Malignancy Variant Curation Expert Panel
Classification: Uncertain significance for Hereditary thrombocytopenia and hematologic cancer predisposition syndrome. Last evaluated: 2025-01-15. Review status: reviewed by expert panel. Criteria: ClinGen MyeloMalig ACMG Specifications v2. Collection method: curation. Allele origin: germline. Inheritance: Autosomal dominant inheritance.
Comment: NM_001754.5(RUNX1):c.670C>T (p.Arg224Trp) is a missense variant which does not meet any ACMG/AMP criteria. In summary, the clinical significance of this variant is uncertain. ACMG/AMP criteria applied, as specified by the Myeloid Malignancy Variant Curation Expert Panel for RUNX1: None.

Ambry Genetics
Classification: Uncertain significance for Inborn genetic diseases. Last evaluated: 2025-06-06. Review status: criteria provided, single submitter. Criteria: Ambry Variant Classification Scheme 2023. Collection method: clinical testing. Allele origin: germline. Not counted in ClinVar's aggregate classification.
Comment: The p.R224W variant (also known as c.670C>T), located in coding exon 6 of the RUNX1 gene, results from a C to T substitution at nucleotide position 670. The arginine at codon 224 is replaced by tryptophan, an amino acid with dissimilar properties. This amino acid position is highly conserved in available vertebrate species. In addition, this alteration is predicted to be deleterious by in silico analysis. Based on the available evidence, the clinical significance of this variant remains unclear.

Labcorp Genetics (formerly Invitae), Labcorp
Classification: Uncertain significance for Hereditary thrombocytopenia and hematological cancer predisposition syndrome associated with RUNX1. Last evaluated: 2021-07-20. Review status: criteria provided, single submitter. Criteria: Invitae Variant Classification Sherloc (09022015). Collection method: clinical testing. Allele origin: germline. Not counted in ClinVar's aggregate classification.
Comment: Algorithms developed to predict the effect of missense changes on protein structure and function are either unavailable or do not agree on the potential impact of this missense change (SIFT: "Deleterious"; PolyPhen-2: "Probably Damaging"; Align-GVGD: "Class C0"). In summary, the available evidence is currently insufficient to determine the role of this variant in disease. Therefore, it has been classified as a Variant of Uncertain Significance. This variant has not been reported in the literature in individuals with RUNX1-related conditions. This variant is not present in population databases (ExAC no frequency). This sequence change replaces arginine with tryptophan at codon 224 of the RUNX1 protein (p.Arg224Trp). The arginine residue is moderately conserved and there is a moderate physicochemical difference between arginine and tryptophan.

NM_001754.5(RUNX1):c.670C>T (p.Arg224Trp)

Gene: RUNX1 (RUNX family transcription factor 1; minus strand). Cytogenetic location: 21q22.12.
Variant type: single nucleotide variant.
Coding change: c.670C>T on transcript NM_001754.5 (MANE Select); coding-DNA position 670, C replaced by T.
Protein change: p.Arg224Trp; replaces arginine 224 with tryptophan.
Molecular consequence: missense variant.
Genome position (GRCh38, 1-based): chr21:34,834,545, G>A on the plus strand (C>T on the coding strand, the complement: RUNX1 is on the minus strand). VCF-style: chr21-34834545-G-A. GRCh37 (hg19) VCF-style: chr21-36206842-G-A.
Other names: NM_001754.5(RUNX1):c.670C>T; p.Arg224Trp; c.589C>T, p.Arg197Trp (NM_001001890.3, NM_001122607.2); c.670C>T (NM_001754.4); short protein forms R197W, R224W.
Identifiers: ClinVar variation 1055781 (VCV001055781.11), dbSNP rs2057114397, ClinGen allele CA410206945.